The following is an entry in ClinVar:

ClinVar aggregate classification (germline): Uncertain significance. Review status: criteria provided, multiple submitters, no conflicts (2 of 4 stars). 2 submissions from 2 submitters: Uncertain significance (2). Last evaluated 2024-09-29.

Conditions:
Developmental and epileptic encephalopathy. Identifiers: MedGen C5779964, MONDO:0100620.

Allele frequency attached by ClinVar (database versions not stated): gnomAD 0.00001.
gnomAD v4.1: 1 of 1,610,592 alleles (0.000062%); highest among the groups gnomAD compares: African/African-American, 0.0013%; no homozygotes.

Submissions (2):

GeneDx
Classification: Uncertain significance. Last evaluated: 2024-09-29. Review status: criteria provided, single submitter. Criteria: GeneDx Variant Classification Process June 2021. Collection method: clinical testing. Allele origin: germline. Affected: yes.
Comment: Not observed at significant frequency in large population cohorts (gnomAD); In silico analysis suggests this variant may impact gene splicing. In the absence of RNA/functional studies, the actual effect of this sequence change is unknown.; Has not been previously published as pathogenic or benign to our knowledge

Labcorp Genetics (formerly Invitae), Labcorp
Classification: Uncertain significance for Early-infantile DEE. Last evaluated: 2021-08-31. Review status: criteria provided, single submitter. Criteria: Invitae Variant Classification Sherloc (09022015). Collection method: clinical testing. Allele origin: germline.

NM_001165963.4(SCN1A):c.2416-10T>G

Gene: SCN1A (sodium voltage-gated channel alpha subunit 1; minus strand). Cytogenetic location: 2q24.3.
Variant type: single nucleotide variant.
Coding change: c.2416-10T>G on transcript NM_001165963.4 (MANE Select); 10 bases into the intron before coding-DNA position 2416, T replaced by G.
Molecular consequence: intron variant.
Genome position (GRCh38, 1-based): chr2:166,039,606, A>C on the plus strand (T>G on the coding strand, the complement: SCN1A is on the minus strand). VCF-style: chr2-166039606-A-C. GRCh37 (hg19) VCF-style: chr2-166896116-A-C.
Other names: c.2383-10T>G (NM_001353949.2, NM_001353950.2, NM_001353951.2 and 2 more transcripts); c.2332-10T>G (NM_001353958.2, NM_001353957.2, NM_001165964.3); c.2416-10T>G (NM_001202435.3, NM_001353948.2); c.2380-10T>G (NM_001353955.2, NM_001353954.2); c.2329-10T>G (NM_001353960.2); c.-27-10T>G (NM_001353961.2).
Identifiers: ClinVar variation 1000033 (VCV001000033.6), dbSNP rs1696892038, ClinGen allele CA1038844262.